The following is an entry in ClinVar:

NM_001429.4(EP300):c.5826_5843del (p.Met1942_Phe1948delinsIle)

Gene: EP300 (EP300 lysine acetyltransferase; plus strand). Cytogenetic location: 22q13.2.
Variant type: Deletion.
Coding change: c.5826_5843del on transcript NM_001429.4 (MANE Select); coding-DNA positions 5826 to 5843, 18 bases deleted (GGCCCACGTGCAAATTTT).
Protein change: p.Met1942_Phe1948delinsIle.
Molecular consequence: inframe indel.
Genome position (GRCh38, 1-based): chr22:41,177,537-41,177,554, GGCCCACGTGCAAATTTT deleted; deleting any 18 consecutive bases within chr22:41,177,536-41,177,554 gives the same sequence; the c. name uses the placement nearest the transcript's 3' end. VCF-style (leftmost placement, unchanged base first): chr22-41177535-ATGGCCCACGTGCAAATTT-A. GRCh37 (hg19) VCF-style: chr22-41573539-ATGGCCCACGTGCAAATTT-A.
Other names: c.5748_5765del, p.Met1916_Phe1922delinsIle (NM_001362843.2).
Identifiers: ClinVar variation 3633113 (VCV003633113.2).

ClinVar aggregate classification (germline): Uncertain significance (1 of 4 stars; one submission).

Conditions:
Rubinstein-Taybi syndrome due to EP300 haploinsufficiency. Also called: EP300-Related Rubinstein-Taybi Syndrome; RUBINSTEIN-TAYBI SYNDROME 2. Identifiers: Orphanet 353284, Orphanet 783, MedGen C3150941, MONDO:0013364, OMIM 613684.

Submission:

Labcorp Genetics (formerly Invitae), Labcorp
Classification: Uncertain significance for Rubinstein-Taybi syndrome due to EP300 haploinsufficiency. Last evaluated: 2024-04-15. Review status: criteria provided, single submitter. Criteria: Invitae Variant Classification Sherloc (09022015). Collection method: clinical testing. Allele origin: germline.
Comment: This variant, c.5826_5843del, results in the deletion of 7 and insertion of 1 amino acid(s) of the EP300 protein (p.Met1942_Phe1948delinsIle), but otherwise preserves the integrity of the reading frame. This variant is not present in population databases (gnomAD no frequency). This variant has not been reported in the literature in individuals affected with EP300-related conditions. Experimental studies and prediction algorithms are not available or were not evaluated, and the functional significance of this variant is currently unknown. In summary, the available evidence is currently insufficient to determine the role of this variant in disease. Therefore, it has been classified as a Variant of Uncertain Significance.